The following is an entry in ClinVar:

NM_003235.5(TG):c.6465G>A (p.Met2155Ile)

Gene: TG (thyroglobulin; plus strand). Cytogenetic location: 8q24.22.
Variant type: single nucleotide variant.
Coding change: c.6465G>A on transcript NM_003235.5 (MANE Select); coding-DNA position 6465, G replaced by A.
Protein change: p.Met2155Ile; replaces methionine 2155 with isoleucine.
Molecular consequence: missense variant.
Genome position (GRCh38, 1-based): chr8:133,013,667, G>A. VCF-style: chr8-133013667-G-A. GRCh37 (hg19) VCF-style: chr8-134025912-G-A.
Other names: short protein forms M2155I.
Identifiers: ClinVar variation 3359990 (VCV003359990.1).

ClinVar aggregate classification (germline): Uncertain significance (1 of 4 stars; one submission).

gnomAD v4.1: 18 of 1,614,230 alleles (0.0011%); highest among the groups gnomAD compares: Admixed American, 0.0017%; no homozygotes.

Submission:

GeneDx
Classification: Uncertain significance. Last evaluated: 2023-06-15. Review status: criteria provided, single submitter. Criteria: GeneDx Variant Classification Process June 2021. Collection method: clinical testing. Allele origin: germline. Affected: yes.
Comment: Not observed at significant frequency in large population cohorts (gnomAD); In silico analysis supports that this missense variant does not alter protein structure/function; Has not been previously published as pathogenic or benign to our knowledge